The following is an entry in ClinVar:

ClinVar aggregate classification (germline): Uncertain significance (1 of 4 stars; one submission).

Conditions:
Polydactyly, postaxial, type A1. Identifiers: MedGen C4282400, MONDO:0008266, OMIM 174200.

Submission:

3billion
Classification: Uncertain significance for Polydactyly, postaxial, type A1. Last evaluated: 2022-03-22. Review status: criteria provided, single submitter. Criteria: ACMG Guidelines, 2015. Collection method: clinical testing. Allele origin: germline. Affected: yes. Observed: 1 heterozygote.
Comment: The variant is not observed in the gnomAD v2.1.1 dataset. In silico tool predictions suggest damaging effect of the variant on gene or gene product (REVEL: 0.96>=0.6). Therefore, this variant is classified as uncertain significance according to the recommendation of ACMG/AMP guideline.

NM_000168.6(GLI3):c.1459T>G (p.Cys487Gly)

Gene: GLI3 (GLI family zinc finger 3; minus strand). Cytogenetic location: 7p14.1.
Variant type: single nucleotide variant.
Coding change: c.1459T>G on transcript NM_000168.6 (MANE Select); coding-DNA position 1459, T replaced by G.
Protein change: p.Cys487Gly; replaces cysteine 487 with glycine.
Molecular consequence: missense variant.
Genome position (GRCh38, 1-based): chr7:42,023,506, A>C on the plus strand (T>G on the coding strand, the complement: GLI3 is on the minus strand). VCF-style: chr7-42023506-A-C. GRCh37 (hg19) VCF-style: chr7-42063105-A-C.
Other names: short protein forms C487G.
Identifiers: ClinVar variation 1526126 (VCV001526126.1), dbSNP rs2128730770, ClinGen allele CA367323868.